The following is an entry in ClinVar:

ClinVar aggregate classification (germline): Pathogenic (1 of 4 stars; one submission).

Conditions:
Hereditary breast ovarian cancer syndrome. Also called: Hereditary breast and ovarian cancer syndrome (HBOC); Hereditary breast and/or ovarian cancer syndrome; Hereditary breast and ovarian cancer; BRCA1- and BRCA2-Associated Hereditary Breast and Ovarian Cancer; Hereditary breast and ovarian cancer syndrome; Breast and ovarian cancer. Identifiers: Orphanet 145, MedGen C0677776, MeSH D061325, MONDO:0003582. Disease mechanism: loss of function.

Submission:

Labcorp Genetics (formerly Invitae), Labcorp
Classification: Pathogenic for Hereditary breast ovarian cancer syndrome. Last evaluated: 2018-05-21. Review status: criteria provided, single submitter. Criteria: Invitae Variant Classification Sherloc (09022015). Collection method: clinical testing. Allele origin: germline.
Comment: This sequence change affects a donor splice site in intron 3 of the BRCA1 gene. It is expected to disrupt RNA splicing and likely results in an absent or disrupted protein product. This variant is not present in population databases (ExAC no frequency). This variant has been observed in an individual with a family history of breast and ovarian cancer (PMID:¬†15345110). This variant is also known as¬†252del5insT in the literature. Experimental studies have shown that this sequence change disrupts normal mRNA splicing, resulting in the skipping of exon 3 and¬†generation of a premature stop codon¬†(PMID:¬†15345110). Donor and acceptor splice site variants typically lead to a loss of protein function (PMID: 16199547), and loss-of-function variants in BRCA1 are known to be pathogenic (PMID: 20104584). For these reasons, this variant has been classified as Pathogenic.

Literature cited by the submitters: PubMed 16199547; PubMed 20104584.

NM_007294.4(BRCA1):c.133_134+1del

Gene: BRCA1 (BRCA1 DNA repair associated; minus strand). Cytogenetic location: 17q21.31.
Variant type: Deletion.
Coding change: c.133_134+1del on transcript NM_007294.4 (MANE Select); coding-DNA position 133 through the canonical splice donor site of the intron after coding-DNA position 134, 3 bases deleted (AAG; older notation c.133_134+1delAAG).
Molecular consequence: splice donor variant. On other transcripts: intron variant (42).
Genome position (GRCh38, 1-based): chr17:43,115,725-43,115,727, CTT deleted on the plus strand (AAG on the coding strand, the reverse complement: BRCA1 is on the minus strand). VCF-style (leftmost placement, unchanged base first): chr17-43115724-ACTT-A. GRCh37 (hg19) VCF-style: chr17-41267741-ACTT-A.
Other names: c.-9_-8+1del (NM_001407922.1, NM_001408469.1, NM_001408453.1 and 47 more transcripts); c.-56_-55+1del (NM_001407886.1, NM_001407885.1, NM_001408509.1 and 52 more transcripts); c.133_134+1del (NM_001407686.1, NM_001408397.1, NM_001407632.1 and 191 more transcripts); c.-219+9550_-219+9552del (NM_001407967.1); c.-170+9550_-170+9552del (NM_001407959.1); c.-7-9194_-7-9192del (NM_001407931.1, NM_001407747.1, NM_001408511.1 and 2 more transcripts); c.-125_-124+1del (NM_001407746.1, NM_001408468.1, NM_001407842.1 and 13 more transcripts); c.-8+8290_-8+8292del (NM_001408461.1, NM_001407738.1, NM_001407932.1 and 23 more transcripts); and 10 more.
Identifiers: ClinVar variation 1073201 (VCV001073201.3), dbSNP rs2154565302, ClinGen allele CA2499224632.